The following is an entry in ClinVar:

NM_001037333.3(CYFIP2):c.796-2A>C

Gene: CYFIP2 (cytoplasmic FMR1 interacting protein 2; plus strand). Cytogenetic location: 5q33.3.
Variant type: single nucleotide variant.
Coding change: c.796-2A>C on transcript NM_001037333.3 (MANE Select); the canonical splice acceptor site of the intron before coding-DNA position 796, A replaced by C.
Molecular consequence: splice acceptor variant.
Genome position (GRCh38, 1-based): chr5:157,307,759, A>C. VCF-style: chr5-157307759-A-C. GRCh37 (hg19) VCF-style: chr5-156734767-A-C.
Other names: c.796-2A>C (NM_001291722.2, NM_014376.4); c.718-2A>C (NM_001291721.2).
Identifiers: ClinVar variation 1700976 (VCV001700976.2), dbSNP rs2113017195, ClinGen allele CA361967408.
Genomic context (GRCh38, chr5:157,307,759, plus strand): 5'-TGTTTTTAAACTTTTCCAGCAGATGTGATTAGTTTCTATGCTCTGCCCTCTTCTCATTCT[A>C]GGTGATGGGCTTTGGCCTCTACCTAATGGATGGAAATGTCAGTAACATTTACAAACTGGA-3'

ClinVar aggregate classification (germline): Uncertain significance (1 of 4 stars; one submission).

Submission:

GeneDx
Classification: Uncertain significance. Last evaluated: 2022-02-14. Review status: criteria provided, single submitter. Criteria: GeneDx Variant Classification Process June 2021. Collection method: clinical testing. Allele origin: germline. Affected: yes.
Comment: Not observed at significant frequency in large population cohorts (gnomAD); Canonical splice site variant with an unclear effect on protein function; Has not been previously published as pathogenic or benign to our knowledge